The following is an entry in ClinVar:

ClinVar aggregate classification (germline): Uncertain significance (1 of 4 stars; one submission).

Conditions:
Inborn genetic diseases. Identifiers: MedGen C0950123, MeSH D030342.

Submission:

Ambry Genetics
Classification: Uncertain significance for Inborn genetic diseases. Last evaluated: 2022-10-22. Review status: criteria provided, single submitter. Criteria: Ambry Variant Classification Scheme 2023. Collection method: clinical testing. Allele origin: germline.
Comment: The p.N1871D variant (also known as c.5611A>G), located in coding exon 38 of the LRRK2 gene, results from an A to G substitution at nucleotide position 5611. The asparagine at codon 1871 is replaced by aspartic acid, an amino acid with highly similar properties. This amino acid position is conserved. In addition, this alteration is predicted to be tolerated by in silico analysis. Since supporting evidence is limited at this time, the clinical significance of this alteration remains unclear.

NM_198578.4(LRRK2):c.5611A>G (p.Asn1871Asp)

Gene: LRRK2 (leucine rich repeat kinase 2; plus strand). Cytogenetic location: 12q12.
Variant type: single nucleotide variant.
Coding change: c.5611A>G on transcript NM_198578.4 (MANE Select); coding-DNA position 5611, A replaced by G.
Protein change: p.Asn1871Asp; replaces asparagine 1871 with aspartic acid.
Molecular consequence: missense variant.
Genome position (GRCh38, 1-based): chr12:40,323,261, A>G. VCF-style: chr12-40323261-A-G. GRCh37 (hg19) VCF-style: chr12-40717063-A-G.
Other names: short protein forms N1871D.
Identifiers: ClinVar variation 1748636 (VCV001748636.2), dbSNP rs1945453188, ClinGen allele CA384421163.
Genomic context (GRCh38, chr12:40,323,261, plus strand): 5'-CCAATATCTCAGATTGCCCCTGACTTGATTTTGGCTGACCTGCCTAGAAATATTATGTTG[A>G]ATAATGATGAGTTGGAATTTGAACAAGCTCCAGAGTTTCTCCTAGGTAATTCTTTTTGTT-3'
Protein context (NP_940980.4, residues 1861-1881): LADLPRNIML[Asn1871Asp]NDELEFEQAP